The following is an entry in ClinVar:

ClinVar aggregate classification (germline): Uncertain significance (1 of 4 stars; one submission).

gnomAD v4.1: 1 of 1,613,786 alleles (0.000062%); highest among the groups gnomAD compares: African/African-American, 0.0013%; no homozygotes.

Submission:

GeneDx
Classification: Uncertain significance. Last evaluated: 2024-11-07. Review status: criteria provided, single submitter. Criteria: GeneDx Variant Classification Process June 2021. Collection method: clinical testing. Allele origin: germline. Affected: yes.
Comment: Not observed at significant frequency in large population cohorts (gnomAD); In silico analysis indicates that this missense variant does not alter protein structure/function; Has not been previously published as pathogenic or benign to our knowledge

NM_003242.6(TGFBR2):c.356C>G (p.Pro119Arg)

Gene: TGFBR2 (transforming growth factor beta receptor 2; plus strand). Cytogenetic location: 3p24.1.
Variant type: single nucleotide variant.
Coding change: c.356C>G on transcript NM_003242.6 (MANE Select); coding-DNA position 356, C replaced by G.
Protein change: p.Pro119Arg; replaces proline 119 with arginine.
Molecular consequence: missense variant. On other transcripts: intron variant (2).
Genome position (GRCh38, 1-based): chr3:30,650,362, C>G. VCF-style: chr3-30650362-C-G. GRCh37 (hg19) VCF-style: chr3-30691854-C-G.
Other names: c.431C>G, p.Pro144Arg (NM_001024847.3, NM_001407126.1, NM_001407139.1); c.356C>G, p.Pro119Arg (NM_001407127.1, NM_001407130.1); c.383C>G, p.Pro128Arg (NM_001407128.1); c.251C>G, p.Pro84Arg (NM_001407129.1, NM_001407132.1, NM_001407133.1 and 3 more transcripts); c.170-21276C>G (NM_001407137.1); c.95-21276C>G (NM_001407138.1); short protein forms P119R, P128R, P144R, P84R.
Identifiers: ClinVar variation 3899578 (VCV003899578.1).